The following is an entry in ClinVar:

ClinVar aggregate classification (germline): Likely benign (1 of 4 stars; one submission).

Allele frequency attached by ClinVar (database versions not stated): gnomAD 0.00003; TOPMed 0.00009.

Submission:

GeneDx
Classification: Likely benign. Last evaluated: 2016-04-27. Review status: criteria provided, single submitter. Criteria: GeneDx Variant Classification (06012015). Collection method: clinical testing. Allele origin: germline. Affected: yes.
Comment: This variant is considered likely benign or benign based on one or more of the following criteria: it is a conservative change, it occurs at a poorly conserved position in the protein, it is predicted to be benign by multiple in silico algorithms, and/or has population frequency not consistent with disease.

NM_022464.5(SIL1):c.-37C>T

Genes: SIL1 (SIL1 nucleotide exchange factor; minus strand), LOC129994751 (ATAC-STARR-seq lymphoblastoid silent region 16405; plus strand). Cytogenetic location: 5q31.2.
Variant type: single nucleotide variant.
Coding change: c.-37C>T on transcript NM_022464.5 (MANE Select); 37 bases upstream of the start codon, C replaced by T.
Molecular consequence: 5 prime UTR variant.
Genome position (GRCh38, 1-based): chr5:139,198,295, G>A on the plus strand (C>T on the coding strand, the complement: SIL1 is on the minus strand). VCF-style: chr5-139198295-G-A. GRCh37 (hg19) VCF-style: chr5-138533984-G-A.
Other names: c.-125C>T (NM_001037633.2).
Identifiers: ClinVar variation 385239 (VCV000385239.1), dbSNP rs1057522157, ClinGen allele CA16604864.